The following is an entry in ClinVar:

ClinVar aggregate classification (germline): Likely benign. Review status: reviewed by expert panel (3 of 4 stars). 2 submissions from 2 submitters: Likely benign (1). 1 of the submissions does not count toward it. Last evaluated 2017-06-29.

Conditions:
Hereditary cancer-predisposing syndrome. Also called: Hereditary Cancer Syndrome; Neoplastic Syndromes, Hereditary; Tumor predisposition; Hereditary neoplastic syndrome. Identifiers: Orphanet 140162, MedGen C0027672, MeSH D009386, MONDO:0015356.
Breast-ovarian cancer, familial, susceptibility to, 2 (BROVCA2). Also called: BRCA2 Hereditary Breast and Ovarian Cancer. Identifiers: Orphanet 145, MedGen C2675520, MONDO:0012933, OMIM 612555. Disease mechanism: loss of function.

gnomAD v4.1: 1 of 1,613,342 alleles (0.000062%); highest among the groups gnomAD compares: Admixed American, 0.0017%; no homozygotes.

Submissions (2):

Evidence-based Network for the Interpretation of Germline Mutant Alleles (ENIGMA)
Classification: Likely benign for Breast-ovarian cancer, familial, susceptibility to, 2. Last evaluated: 2017-06-29. Review status: reviewed by expert panel. Criteria: ENIGMA BRCA1/2 Classification Criteria (2017-06-29). Collection method: curation. Allele origin: germline.
Comment: Synonymous substitution variant, with low bioinformatic likelihood to result in a splicing aberration (Splicing prior probability 0.02).

Ambry Genetics
Classification: Likely benign for Hereditary cancer-predisposing syndrome. Last evaluated: 2020-04-21. Review status: criteria provided, single submitter. Criteria: Ambry Variant Classification Scheme 2023. Collection method: clinical testing. Allele origin: germline. Not counted in ClinVar's aggregate classification.

NM_000059.4(BRCA2):c.1236C>T (p.Pro412=)

Gene: BRCA2 (BRCA2 DNA repair associated; plus strand). Cytogenetic location: 13q13.1.
Variant type: single nucleotide variant.
Coding change: c.1236C>T on transcript NM_000059.4 (MANE Select); coding-DNA position 1236, C replaced by T.
Protein change: p.Pro412=; no amino-acid change (proline 412 retained).
Molecular consequence: synonymous variant.
Genome position (GRCh38, 1-based): chr13:32,332,714, C>T. VCF-style: chr13-32332714-C-T. GRCh37 (hg19) VCF-style: chr13-32906851-C-T.
Identifiers: ClinVar variation 232560 (VCV000232560.7), dbSNP rs866473840, ClinGen allele CA10579489.